The following is an entry in ClinVar:

ClinVar aggregate classification (germline): Pathogenic (1 of 4 stars; one submission).

Submission:

Labcorp Genetics (formerly Invitae), Labcorp
Classification: Pathogenic. Last evaluated: 2025-07-02. Review status: criteria provided, single submitter. Criteria: Invitae Variant Classification Sherloc (09022015). Collection method: clinical testing. Allele origin: germline.
Comment: This sequence change creates a premature translational stop signal (p.Gln1629*) in the SPTB gene. It is expected to result in an absent or disrupted protein product. Loss-of-function variants in SPTB are known to be pathogenic (PMID: 1391962, 1498324, 8844207, 26830532, 27292444). This variant is not present in population databases (gnomAD no frequency). This variant has not been reported in the literature in individuals affected with SPTB-related conditions. For these reasons, this variant has been classified as Pathogenic.

Literature cited by the submitters: PubMed 1391962; PubMed 1498324; PubMed 8844207; PubMed 26830532; PubMed 27292444.

NM_001355436.2(SPTB):c.4885C>T (p.Gln1629Ter)

Gene: SPTB (spectrin beta, erythrocytic; minus strand). Cytogenetic location: 14q23.3.
Variant type: single nucleotide variant.
Coding change: c.4885C>T on transcript NM_001355436.2 (MANE Select); coding-DNA position 4885, C replaced by T.
Protein change: p.Gln1629Ter; replaces glutamine 1629 with a stop codon.
Molecular consequence: nonsense.
Genome position (GRCh38, 1-based): chr14:64,774,485, G>A on the plus strand (C>T on the coding strand, the complement: SPTB is on the minus strand). VCF-style: chr14-64774485-G-A. GRCh37 (hg19) VCF-style: chr14-65241203-G-A.
Other names: c.4885C>T, p.Gln1629Ter (NM_001024858.4, NM_001355437.2); short protein forms Q1629*.
Identifiers: ClinVar variation 4722581 (VCV004722581.1).